The following is an entry in ClinVar:

NM_001382391.1(CSPP1):c.692T>C (p.Ile231Thr)

Gene: CSPP1 (centrosome and spindle pole associated protein 1; plus strand). Cytogenetic location: 8q13.1.
Variant type: single nucleotide variant.
Coding change: c.692T>C on transcript NM_001382391.1 (MANE Select); coding-DNA position 692, T replaced by C.
Protein change: p.Ile231Thr; replaces isoleucine 231 with threonine.
Molecular consequence: missense variant. On other transcripts: 5 prime UTR variant (1).
Genome position (GRCh38, 1-based): chr8:67,095,501, T>C. VCF-style: chr8-67095501-T-C. GRCh37 (hg19) VCF-style: chr8-68007736-T-C.
Other names: c.-164T>C (NM_001291339.2); c.611T>C, p.Ile204Thr (NM_001363131.2, NM_001363133.2); c.692T>C, p.Ile231Thr (NM_001363132.2); c.800T>C, p.Ile267Thr (NM_001364869.1); c.719T>C, p.Ile240Thr (NM_001364870.1, NM_024790.7); short protein forms I231T, I204T, I267T, I240T.
Identifiers: ClinVar variation 2150191 (VCV002150191.4), dbSNP rs758349545, ClinGen allele CA4770340.

ClinVar aggregate classification (germline): Uncertain significance (1 of 4 stars; one submission).

Conditions:
Joubert syndrome 21 (JBTS21). Identifiers: MedGen C3810212, MONDO:0014288, OMIM 615636.

Allele frequency attached by ClinVar (database versions not stated): gnomAD exomes below 0.00001; ExAC 0.00001.
gnomAD v4.1: 5 of 1,613,386 alleles (0.00031%); highest among the groups gnomAD compares: Admixed American, 0.0033%; no homozygotes.

Submission:

Labcorp Genetics (formerly Invitae), Labcorp
Classification: Uncertain significance for Joubert syndrome 21. Last evaluated: 2022-10-04. Review status: criteria provided, single submitter. Criteria: Invitae Variant Classification Sherloc (09022015). Collection method: clinical testing. Allele origin: germline.
Comment: Algorithms developed to predict the effect of missense changes on protein structure and function (SIFT, PolyPhen-2, Align-GVGD) all suggest that this variant is likely to be tolerated. This variant has not been reported in the literature in individuals affected with CSPP1-related conditions. This variant is present in population databases (rs758349545, gnomAD 0.006%). This sequence change replaces isoleucine, which is neutral and non-polar, with threonine, which is neutral and polar, at codon 240 of the CSPP1 protein (p.Ile240Thr). In summary, the available evidence is currently insufficient to determine the role of this variant in disease. Therefore, it has been classified as a Variant of Uncertain Significance.